The following is an entry in ClinVar:

ClinVar aggregate classification (germline): Conflicting classifications of pathogenicity. Review status: criteria provided, conflicting classifications (1 of 4 stars). 4 submissions from 4 submitters: Uncertain significance (3); Likely benign (1). Last evaluated 2025-08-04.

Conditions:
Hereditary cancer-predisposing syndrome. Also called: Hereditary neoplastic syndrome; Neoplastic Syndromes, Hereditary; Tumor predisposition; Hereditary Cancer Syndrome. Identifiers: Orphanet 140162, MedGen C0027672, MeSH D009386, MONDO:0015356.
Fanconi anemia complementation group J. Also called: BRIP1-Related Fanconi Anemia. Identifiers: Orphanet 84, MedGen C1836860, MONDO:0012187, OMIM 609054.
Familial cancer of breast. Also called: BREAST CANCER, FAMILIAL; Hereditary breast cancer; hereditary breast carcinoma. Identifiers: Orphanet 227535, MedGen C0346153, MONDO:0016419, OMIM 114480. Disease mechanism: loss of function.

Submissions (4):

GeneDx
Classification: Uncertain significance. Last evaluated: 2025-08-04. Review status: criteria provided, single submitter. Criteria: GeneDx Variant Classification Process June 2021. Collection method: clinical testing. Allele origin: germline. Affected: yes.
Comment: Not observed at significant frequency in large population cohorts (gnomAD); In silico analysis suggests that this missense variant does not alter protein structure/function; Has not been previously published as pathogenic or benign to our knowledge

Ambry Genetics
Classification: Likely benign for Hereditary cancer-predisposing syndrome. Last evaluated: 2024-03-20. Review status: criteria provided, single submitter. Criteria: Ambry Variant Classification Scheme 2023. Collection method: clinical testing. Allele origin: germline.

Labcorp Genetics (formerly Invitae), Labcorp
Classification: Uncertain significance for Familial cancer of breast; Fanconi anemia complementation group J. Last evaluated: 2023-12-21. Review status: criteria provided, single submitter. Criteria: Invitae Variant Classification Sherloc (09022015). Collection method: clinical testing. Allele origin: germline.
Comment: This sequence change replaces cysteine, which is neutral and slightly polar, with serine, which is neutral and polar, at codon 87 of the BRIP1 protein (p.Cys87Ser). This variant is not present in population databases (gnomAD no frequency). This variant has not been reported in the literature in individuals affected with BRIP1-related conditions. ClinVar contains an entry for this variant (Variation ID: 481628). Advanced modeling of protein sequence and biophysical properties (such as structural, functional, and spatial information, amino acid conservation, physicochemical variation, residue mobility, and thermodynamic stability) performed at Invitae indicates that this missense variant is not expected to disrupt BRIP1 protein function with a negative predictive value of 80%. Experimental studies have shown that this missense change does not substantially affect BRIP1 function (PMID: 24573678). RNA analysis performed to evaluate the impact of this missense change on mRNA splicing indicates it does not significantly alter splicing (Invitae). In summary, the available evidence is currently insufficient to determine the role of this variant in disease. Therefore, it has been classified as a Variant of Uncertain Significance.

Color Diagnostics, LLC DBA Color Health
Classification: Uncertain significance for Hereditary cancer-predisposing syndrome. Last evaluated: 2019-11-26. Review status: criteria provided, single submitter. Criteria: ACMG Guidelines, 2015. Collection method: clinical testing. Allele origin: germline.
Comment: This missense variant replaces cysteine with serine at codon 87 of the BRIP1 protein. Computational prediction suggests that this variant may not impact protein structure and function (internally defined REVEL score threshold <= 0.5, PMID: 27666373). Splice site prediction tools suggest that this variant may not impact RNA splicing. To our knowledge, functional studies have not been performed for this variant. This variant has not been reported in individuals affected with hereditary cancer in the literature. This variant has not been identified in the general population by the Genome Aggregation Database (gnomAD). The available evidence is insufficient to determine the role of this variant in disease conclusively. Therefore, this variant is classified as a Variant of Uncertain Significance.

Literature cited by the submitters: PubMed 24573678 (cited by Labcorp Genetics (formerly Invitae), Labcorp).

NM_032043.3(BRIP1):c.259T>A (p.Cys87Ser)

Gene: BRIP1 (BRCA1 interacting DNA helicase 1; minus strand). Cytogenetic location: 17q23.2.
Variant type: single nucleotide variant.
Coding change: c.259T>A on transcript NM_032043.3 (MANE Select); coding-DNA position 259, T replaced by A.
Protein change: p.Cys87Ser; replaces cysteine 87 with serine.
Molecular consequence: missense variant.
Genome position (GRCh38, 1-based): chr17:61,857,178, A>T on the plus strand (T>A on the coding strand, the complement: BRIP1 is on the minus strand). VCF-style: chr17-61857178-A-T. GRCh37 (hg19) VCF-style: chr17-59934539-A-T.
Other names: short protein forms C87S.
Identifiers: ClinVar variation 481628 (VCV000481628.18), dbSNP rs1555617897, ClinGen allele CA400485515.
Genomic context (GRCh38, chr17:61,857,178, plus strand): 5'-GACGTGAAGTTCCTTGGTTCATGTCATTGTTTGTAAAATCCTTTGAATGGCATGCACAAC[A>T]ACATGACAATTGTACTTCAGCTTTTTCACTTACGCCCTCATCTGCTGGTTTCCCTAAAAA-3'
Protein context (NP_114432.2, residues 77-97): SEKAEVQLSC[Cys87Ser]CACHSKDFTN